The following is an entry in ClinVar:

NM_139027.6(ADAMTS13):c.577C>T (p.Arg193Trp)

Gene: ADAMTS13 (ADAM metallopeptidase with thrombospondin type 1 motif 13; plus strand). Cytogenetic location: 9q34.2.
Variant type: single nucleotide variant.
Coding change: c.577C>T on transcript NM_139027.6 (MANE Select); coding-DNA position 577, C replaced by T.
Protein change: p.Arg193Trp; replaces arginine 193 with tryptophan.
Molecular consequence: missense variant. On other transcripts: non-coding transcript variant (1).
Genome position (GRCh38, 1-based): chr9:133,426,236, C>T. VCF-style: chr9-133426236-C-T. GRCh37 (hg19) VCF-style: chr9-136291356-C-T.
Other names: c.577C>T, p.Arg193Trp (NM_139025.5, NM_139026.6); short protein forms R193W.
Identifiers: ClinVar variation 68823 (VCV000068823.6), dbSNP rs281875287, ClinGen allele CA220047.
Genomic context (GRCh38, chr9:133,426,236, plus strand): 5'-AGTGACTGTTTTCTCTCACCGAGGTTTGACCTGGAGTTGCCTGATGGTAACCGGCAGGTG[C>T]GGGGCGTCACCCAGCTGGGCGGTGCCTGCTCCCCAACCTGGAGCTGCCTCATTACCGAGG-3'
Protein context (NP_620596.2, residues 183-203): LELPDGNRQV[Arg193Trp]GVTQLGGACS

ClinVar aggregate classification (germline): Likely pathogenic. Review status: criteria provided, single submitter (1 of 4 stars). 3 submissions from 3 submitters: Likely pathogenic (1). 2 of the submissions do not count toward it. Last evaluated 2017-07-07.

Conditions:
ADAMTS13-related disorder. Also called: ADAMTS13-related condition.
Upshaw-Schulman syndrome (TTP). Also called: Congenital thrombotic thrombocytopenic purpura; THROMBOTIC THROMBOCYTOPENIC PURPURA, HEREDITARY. Identifiers: Orphanet 93583, MedGen C1268935, MONDO:0010122, OMIM 274150.

Allele frequency attached by ClinVar (database versions not stated): gnomAD 0.00001; gnomAD exomes 0.00001.

Submissions (3):

GenePathDx, GenePath diagnostics
Classification: Likely pathogenic for Upshaw-Schulman syndrome. Last evaluated: 2017-07-07. Review status: criteria provided, single submitter. Criteria: GenePathDx_Criteria_classificationV2. Collection method: clinical testing. Allele origin: germline. Inheritance: Autosomal recessive inheritance. Affected: yes. Observed: 1 variant allele, 1 homozygote.

PreventionGenetics, part of Exact Sciences
Classification: Likely pathogenic for ADAMTS13-related condition. Last evaluated: 2024-01-31. Review status: no assertion criteria provided. Collection method: clinical testing. Allele origin: germline. Not counted in ClinVar's aggregate classification.
Comment: The ADAMTS13 c.577C>T variant is predicted to result in the amino acid substitution p.Arg193Trp. This variant has been reported in the compound heterozygous and homozygous state in multiple individuals with thrombotic thrombocytopenic purpura (Matsumoto et al. 2004. PubMed ID: 14563640; Supplemental Table S1, van Dorland et al. 2019. PubMed ID: 30792199; Dai et al. 2020. PubMed ID: 33014938). In addition, the p.Arg193Trp change has been demonstrated to abolish ADAMTS13 enzymatic activity (Matsumoto et al. 2004. PubMed ID: 14563640; Pozzi et al. 2011. PubMed ID: 21937160). This variant is reported in 0.0029% of alleles in individuals of Latino descent in gnomAD . This variant is interpreted as likely pathogenic.

UniProtKB/Swiss-Prot
No classification provided. Review status: no classification provided. Collection method: not provided. Allele origin: not provided. Not counted in ClinVar's aggregate classification.